The following is an entry in ClinVar:

ClinVar aggregate classification (germline): Uncertain significance (1 of 4 stars; one submission).

Conditions:
BDNF-related disorder. Also called: BDNF-related condition.

Submission:

PreventionGenetics, part of Exact Sciences
Classification: Uncertain significance for BDNF-related condition. Last evaluated: 2026-05-05. Review status: criteria provided, single submitter. Criteria: ACMG Guidelines, 2015. Collection method: clinical testing. Allele origin: germline.
Comment: The BDNF c.884C>T variant is predicted to result in the amino acid substitution p.Ser295Leu. To our knowledge, this variant has not been reported in the literature or in a large population database (gnomAD), indicating this variant is rare. At this time, the clinical significance of this variant is uncertain due to the absence of conclusive functional and genetic evidence.

NM_001709.5(BDNF):c.638C>T (p.Ser213Leu)

Genes: BDNF (brain derived neurotrophic factor; minus strand), BDNF-AS (BDNF antisense RNA; plus strand). Cytogenetic location: 11p14.1.
Variant type: single nucleotide variant.
Coding change: c.638C>T on transcript NM_001709.5 (MANE Select); coding-DNA position 638, C replaced by T.
Protein change: p.Ser213Leu; replaces serine 213 with leucine.
Molecular consequence: missense variant.
Genome position (GRCh38, 1-based): chr11:27,657,927, G>A on the plus strand (C>T on the coding strand, the complement: BDNF is on the minus strand). VCF-style: chr11-27657927-G-A. GRCh37 (hg19) VCF-style: chr11-27679474-G-A.
Other names: c.638C>T, p.Ser213Leu (NM_001143805.1, NM_001143806.1, NM_001143807.2 and 9 more transcripts); c.725C>T, p.Ser242Leu (NM_001143809.2); c.884C>T, p.Ser295Leu (NM_001143810.2); c.662C>T, p.Ser221Leu (NM_170731.5); c.683C>T, p.Ser228Leu (NM_170734.4); short protein forms S213L, S221L, S228L, S242L, S295L.
Identifiers: ClinVar variation 3356026 (VCV003356026.2).